The following is an entry in ClinVar:

NM_001042492.3(NF1):c.1882del (p.Tyr628fs)

Gene: NF1 (neurofibromin 1; plus strand). Cytogenetic location: 17q11.2.
Variant type: Deletion.
Coding change: c.1882del on transcript NM_001042492.3 (MANE Select); coding-DNA position 1882, one base deleted (T; older notation c.1882delT).
Protein change: p.Tyr628fs; shifts the reading frame from tyrosine 628.
Molecular consequence: frameshift variant.
Genome position (GRCh38, 1-based): chr17:31,225,131, T deleted; the last of 6 consecutive T bases (chr17:31,225,126-31,225,131); deleting any one gives the same sequence. VCF-style (leftmost placement, unchanged base first): chr17-31225125-CT-C. GRCh37 (hg19) VCF-style: chr17-29552143-CT-C.
Other names: c.1882delT, p.Tyr628Thrfs (NM_000267.4, NM_001042492.2); c.1882delT (NM_000267.3); short protein forms Y628fs.
Identifiers: ClinVar variation 1213688 (VCV001213688.6), dbSNP rs1555613558, ClinGen allele CA2499224035.

ClinVar aggregate classification (germline): Pathogenic. Review status: criteria provided, multiple submitters, no conflicts (2 of 4 stars). 5 submissions from 5 submitters: Pathogenic (5). Last evaluated 2025-11-18.

Conditions:
Neurofibromatosis, type 1 (NF1). Also called: Neurofibromatosis, type I; VON RECKLINGHAUSEN DISEASE; NEUROFIBROMATOSIS, TYPE I, SOMATIC; Peripheral type neurofibromatosis. Identifiers: Orphanet 636, MedGen C0027831, MONDO:0018975, OMIM 162200. Disease mechanism: loss of function.
Café-au-lait macules with pulmonary stenosis (WTSN). Also called: PULMONIC STENOSIS WITH CAFE-AU-LAIT SPOTS. Identifiers: MedGen C0553586, MONDO:0008672, OMIM 193520.
Hereditary cancer-predisposing syndrome. Also called: Hereditary neoplastic syndrome; Neoplastic Syndromes, Hereditary; Tumor predisposition; Hereditary Cancer Syndrome. Identifiers: Orphanet 140162, MedGen C0027672, MeSH D009386, MONDO:0015356.
Cardiovascular phenotype. Identifiers: MedGen CN230736.

Submissions (5):

Labcorp Genetics (formerly Invitae), Labcorp
Classification: Pathogenic for Neurofibromatosis, type 1. Last evaluated: 2025-11-18. Review status: criteria provided, single submitter. Criteria: Invitae Variant Classification Sherloc (09022015). Collection method: clinical testing. Allele origin: germline.
Comment: This sequence change creates a premature translational stop signal (p.Tyr628Thrfs*3) in the NF1 gene. It is expected to result in an absent or disrupted protein product. Loss-of-function variants in NF1 are known to be pathogenic (PMID: 10712197, 23913538). This variant is not present in population databases (gnomAD no frequency). This premature translational stop signal has been observed in individual(s) with NF1-related conditions (PMID: 24789688, 30530636). ClinVar contains an entry for this variant (Variation ID: 1213688). For these reasons, this variant has been classified as Pathogenic.

Ambry Genetics
Classification: Pathogenic for Cardiovascular phenotype; Hereditary cancer-predisposing syndrome. Last evaluated: 2025-08-20. Review status: criteria provided, single submitter. Criteria: Ambry Variant Classification Scheme 2023. Collection method: clinical testing. Allele origin: germline.
Comment: The c.1882delT pathogenic mutation, located in coding exon 17 of the NF1 gene, results from a deletion of one nucleotide at nucleotide position 1882, causing a translational frameshift with a predicted alternate stop codon (p.Y628Tfs*3). This variant was reported in individual(s) with features consistent with neurofibromatosis type 1 (NF1) (Frayling IM et al. J Med Genet, 2019 Apr;56:209-219). This variant is considered to be rare based on population cohorts in the Genome Aggregation Database (gnomAD). This alteration is expected to result in loss of function by premature protein truncation or nonsense-mediated mRNA decay. As such, this alteration is interpreted as a disease-causing mutation.

Department of Human Genetics, Hannover Medical School
Classification: Pathogenic for Neurofibromatosis, type 1. Last evaluated: 2024-08-07. Review status: criteria provided, single submitter. Criteria: ACMG Guidelines, 2015. Collection method: clinical testing. Allele origin: germline. Inheritance: Autosomal dominant inheritance. Affected: yes.

ARUP Laboratories, Molecular Genetics and Genomics, ARUP Laboratories
Classification: Pathogenic. Last evaluated: 2023-10-31. Review status: criteria provided, single submitter. Criteria: ARUP Molecular Germline Variant Investigation Process 2024. Collection method: clinical testing. Allele origin: germline.
Comment: The NF1 c.1882del; p.Tyr628ThrfsTer3 variant is reported in the literature in individuals affected with neurofibromatosis type 1 (Frayling 2019, Xu 2014). This variant is also reported in ClinVar (Variation ID: 1213688), but is absent from the Genome Aggregation Database, indicating it is not a common polymorphism. This variant causes a frameshift by deleting a single nucleotide, so it is predicted to result in a truncated protein or mRNA subject to nonsense-mediated decay. Additionally, several downstream truncating variants have been described in individuals with neurofibromatosis type 1 and are considered pathogenic (Frayling 2019, Wu-Chou 2018, Xu 2014). Based on available information, this variant is considered to be pathogenic. References: Frayling IM et al. Breast cancer risk in neurofibromatosis type 1 is a function of the type of NF1 gene mutation: a new genotype-phenotype correlation. J Med Genet. 2019 Apr;56(4):209-219. PMID: 30530636. Wu-Chou YH et al. Genetic diagnosis of neurofibromatosis type 1: targeted next- generation sequencing with Multiple Ligation-Dependent Probe Amplification analysis. J Biomed Sci. 2018 Oct 5;25(1):72. PMID: 30290804. Xu W et al. Fifty-four novel mutations in the NF1 gene and integrated analyses of the mutations that modulate splicing. Int J Mol Med. 2014 Jul;34(1):53-60. PMID: 24789688.

New York Genome Center
Classification: Pathogenic for Neurofibromatosis, type 1; Café-au-lait macules with pulmonary stenosis. Last evaluated: 2020-09-23. Review status: criteria provided, single submitter. Criteria: NYGC Assertion Criteria 2020. Collection method: clinical testing. Allele origin: inherited. Observed: 1 heterozygote. Study: CSER-NYCKidSeq.
Comment: The inherited heterozygous variant (c.1882del, p.Tyr628ThrfsTer3) has been reported in individuals affected with NF1-related disorders [PMID: 24789688; PMID: 30530636]. The variant is absent from gnomAD(v3) database indicating it is an extremely rare allele in the populations represented in this database. This one nucleotide deletion located in exon 17 (of 58) of the NF1 gene alters the wild-type translational reading frame and is predicted to cause loss of normal protein function either through protein truncation or nonsense-mediated mRNA decay. Loss of function variants in NF1 are known to be pathogenic. Based on the available evidence, the inherited c.1882del (p.Tyr628ThrfsTer3) variant in the NF1 gene is assessed as pathogenic.

Literature cited by the submitters: PubMed 10712197 (cited by Labcorp Genetics (formerly Invitae), Labcorp); PubMed 23913538 (cited by Labcorp Genetics (formerly Invitae), Labcorp); PubMed 24789688 (cited by Labcorp Genetics (formerly Invitae), Labcorp and New York Genome Center); PubMed 30530636 (cited by 3 submitters).